The following is an entry in ClinVar:

NM_024649.5(BBS1):c.951+51C>A

Genes: BBS1 (Bardet-Biedl syndrome 1; plus strand), ZDHHC24 (zDHHC palmitoyltransferase 24; minus strand). Cytogenetic location: 11q13.2.
Variant type: single nucleotide variant.
Coding change: c.951+51C>A on transcript NM_024649.5 (MANE Select); 51 bases into the intron after coding-DNA position 951, C replaced by A.
Molecular consequence: intron variant.
Genome position (GRCh38, 1-based): chr11:66,523,627, C>A. VCF-style: chr11-66523627-C-A. GRCh37 (hg19) VCF-style: chr11-66291098-C-A.
Other names: c.*22-2161G>T (NM_001348571.2).
Identifiers: ClinVar variation 4912405 (VCV004912405.2).

ClinVar aggregate classification (germline): Likely benign. Review status: criteria provided, multiple submitters, no conflicts (2 of 4 stars). 2 submissions from 2 submitters: Likely benign (2). Last evaluated 2026-02-03.

Conditions:
BBS1-related disorder. Also called: BBS1-related condition.

gnomAD v4.1: 48 of 1,613,108 alleles (0.003%); highest among the groups gnomAD compares: East Asian, 0.098%; no homozygotes.

Submissions (2):

PreventionGenetics, part of Exact Sciences
Classification: Likely benign for BBS1-related condition. Last evaluated: 2026-02-03. Review status: criteria provided, single submitter. Criteria: ACMG Guidelines, 2015. Collection method: clinical testing. Allele origin: germline.
Comment: This variant is classified as likely benign based on ACMG/AMP sequence variant interpretation guidelines (Richards et al. 2015 PMID: 25741868, with internal and published modifications).

Blueprint Genetics
Classification: Likely benign. Last evaluated: 2023-08-08. Review status: criteria provided, single submitter. Criteria: ACMG Guidelines, 2015. Collection method: clinical testing. Allele origin: germline.